The following is an entry in ClinVar:

NM_000214.3(JAG1):c.3023C>G (p.Ala1008Gly)

Gene: JAG1 (jagged canonical Notch ligand 1; minus strand). Cytogenetic location: 20p12.2.
Variant type: single nucleotide variant.
Coding change: c.3023C>G on transcript NM_000214.3 (MANE Select); coding-DNA position 3023, C replaced by G.
Protein change: p.Ala1008Gly; replaces alanine 1008 with glycine.
Molecular consequence: missense variant.
Genome position (GRCh38, 1-based): chr20:10,641,138, G>C on the plus strand (C>G on the coding strand, the complement: JAG1 is on the minus strand). VCF-style: chr20-10641138-G-C. GRCh37 (hg19) VCF-style: chr20-10621786-G-C.
Other names: short protein forms A1008G.
Identifiers: ClinVar variation 1480093 (VCV001480093.6), dbSNP rs577307986, ClinGen allele CA408244442.

ClinVar aggregate classification (germline): Uncertain significance (1 of 4 stars; one submission).

Conditions:
Alagille syndrome due to a JAG1 point mutation. Also called: Alagille Syndrome 1; JAG1-Related Alagille Syndrome; HEPATIC DUCTULAR HYPOPLASIA, SYNDROMATIC. Identifiers: Orphanet 261619, Orphanet 52, MedGen C1956125, MONDO:0016862, OMIM 118450.

Submission:

Labcorp Genetics (formerly Invitae), Labcorp
Classification: Uncertain significance for Alagille syndrome due to a JAG1 point mutation. Last evaluated: 2022-07-23. Review status: criteria provided, single submitter. Criteria: Invitae Variant Classification Sherloc (09022015). Collection method: clinical testing. Allele origin: germline.
Comment: Advanced modeling of protein sequence and biophysical properties (such as structural, functional, and spatial information, amino acid conservation, physicochemical variation, residue mobility, and thermodynamic stability) performed at Invitae indicates that this missense variant is not expected to disrupt JAG1 protein function. In summary, the available evidence is currently insufficient to determine the role of this variant in disease. Therefore, it has been classified as a Variant of Uncertain Significance. ClinVar contains an entry for this variant (Variation ID: 1480093). This variant has not been reported in the literature in individuals affected with JAG1-related conditions. This variant is not present in population databases (gnomAD no frequency). This sequence change replaces alanine, which is neutral and non-polar, with glycine, which is neutral and non-polar, at codon 1008 of the JAG1 protein (p.Ala1008Gly).